The following is an entry in ClinVar:

NM_201596.3(CACNB2):c.1381T>G (p.Trp461Gly)

Gene: CACNB2 (calcium voltage-gated channel auxiliary subunit beta 2; plus strand). Cytogenetic location: 10p12.31.
Variant type: single nucleotide variant.
Coding change: c.1381T>G on transcript NM_201596.3 (MANE Select); coding-DNA position 1381, T replaced by G.
Protein change: p.Trp461Gly; replaces tryptophan 461 with glycine.
Molecular consequence: missense variant.
Genome position (GRCh38, 1-based): chr10:18,538,258, T>G. VCF-style: chr10-18538258-T-G. GRCh37 (hg19) VCF-style: chr10-18827187-T-G.
Other names: c.1216T>G, p.Trp406Gly (NM_000724.4); c.1183T>G, p.Trp395Gly (NM_001167945.2); c.1102T>G, p.Trp368Gly (NM_001330060.2); c.1123T>G, p.Trp375Gly (NM_001410882.1); c.1237T>G, p.Trp413Gly (NM_201570.3); c.1297T>G, p.Trp433Gly (NM_201571.4); c.1225T>G, p.Trp409Gly (NM_201572.4); c.1219T>G, p.Trp407Gly (NM_201590.3); and 3 more; short protein forms W368G, W423G, W437G, W461G, W409G, W375G, W395G, W407G.
Identifiers: ClinVar variation 4764239 (VCV004764239.3).

ClinVar aggregate classification (germline): Uncertain significance. Review status: criteria provided, multiple submitters, no conflicts (2 of 4 stars). 3 submissions from 3 submitters: Uncertain significance (3). Last evaluated 2026-03-12.

Conditions:
Cardiovascular phenotype. Identifiers: MedGen CN230736.
Brugada syndrome 4 (BRGDA4). Identifiers: Orphanet 130, MedGen C2678477, MONDO:0012743, OMIM 611876.

gnomAD v4.1: 10 of 1,613,922 alleles (0.00062%); highest among the groups gnomAD compares: Non-Finnish European, 0.00085%; no homozygotes.

Submissions (3):

Ambry Genetics
Classification: Uncertain significance for Cardiovascular phenotype. Last evaluated: 2026-03-12. Review status: criteria provided, single submitter. Criteria: Ambry Variant Classification Scheme 2023. Collection method: clinical testing. Allele origin: germline.
Comment: The p.W407G variant (also known as c.1219T>G), located in coding exon 12 of the CACNB2 gene, results from a T to G substitution at nucleotide position 1219. The tryptophan at codon 407 is replaced by glycine, an amino acid with highly dissimilar properties. This amino acid position is conserved. In addition, this alteration is predicted to be deleterious by in silico analysis. Based on the available evidence, the clinical significance of this variant remains unclear.

Labcorp Genetics (formerly Invitae), Labcorp
Classification: Uncertain significance for Brugada syndrome 4. Last evaluated: 2025-11-23. Review status: criteria provided, single submitter. Criteria: Invitae Variant Classification Sherloc (09022015). Collection method: clinical testing. Allele origin: germline.
Comment: This sequence change replaces tryptophan, which is neutral and slightly polar, with glycine, which is neutral and non-polar, at codon 407 of the CACNB2 protein (p.Trp407Gly). This variant is present in population databases (no rsID available, gnomAD 0.0009%). This variant has not been reported in the literature in individuals affected with CACNB2-related conditions. Invitae Evidence Modeling of protein sequence and biophysical properties (such as structural, functional, and spatial information, amino acid conservation, physicochemical variation, residue mobility, and thermodynamic stability) indicates that this missense variant is expected to disrupt CACNB2 protein function with a positive predictive value of 80%. In summary, the available evidence is currently insufficient to determine the role of this variant in disease. Therefore, it has been classified as a Variant of Uncertain Significance.

Blueprint Genetics
Classification: Uncertain significance. Last evaluated: 2024-11-07. Review status: criteria provided, single submitter. Criteria: ACMG Guidelines, 2015. Collection method: clinical testing. Allele origin: germline.